The following is an entry in ClinVar:

ClinVar aggregate classification (germline): Uncertain significance. Review status: criteria provided, multiple submitters, no conflicts (2 of 4 stars). 3 submissions from 3 submitters: Uncertain significance (3). Last evaluated 2026-07-06.

Conditions:
Juvenile polyposis syndrome (JPS). Identifiers: Orphanet 2929, MedGen C0345893, MONDO:0017380, OMIM 174900.
Hereditary cancer-predisposing syndrome. Also called: Neoplastic Syndromes, Hereditary; Hereditary Cancer Syndrome; Tumor predisposition; Hereditary neoplastic syndrome. Identifiers: Orphanet 140162, MedGen C0027672, MeSH D009386, MONDO:0015356.
Polyposis syndrome, hereditary mixed, 2. Identifiers: Orphanet 157794, MedGen C1864730, MONDO:0012405, OMIM 610069.

Allele frequency attached by ClinVar (database versions not stated): gnomAD exomes below 0.00001.
gnomAD v4.1: 1 of 1,613,970 alleles (0.000062%); highest among the groups gnomAD compares: Non-Finnish European, 0.000085%; no homozygotes.

Submissions (3):

Ambry Genetics
Classification: Uncertain significance for Hereditary cancer-predisposing syndrome. Last evaluated: 2026-07-06. Review status: criteria provided, single submitter. Criteria: Ambry Variant Classification Scheme 2023. Collection method: clinical testing. Allele origin: germline.
Comment: The p.D196N variant (also known as c.586G>A), located in coding exon 6 of the BMPR1A gene, results from a G to A substitution at nucleotide position 586. The aspartic acid at codon 196 is replaced by asparagine, an amino acid with highly similar properties. This amino acid position is conserved. In addition, this alteration is predicted to be tolerated by in silico analysis. Based on the available evidence, the clinical significance of this variant remains unclear.

Labcorp Genetics (formerly Invitae), Labcorp
Classification: Uncertain significance for Juvenile polyposis syndrome. Last evaluated: 2024-04-01. Review status: criteria provided, single submitter. Criteria: Invitae Variant Classification Sherloc (09022015). Collection method: clinical testing. Allele origin: germline.
Comment: This sequence change replaces aspartic acid, which is acidic and polar, with asparagine, which is neutral and polar, at codon 196 of the BMPR1A protein (p.Asp196Asn). This variant is not present in population databases (gnomAD no frequency). This variant has not been reported in the literature in individuals affected with BMPR1A-related conditions. ClinVar contains an entry for this variant (Variation ID: 951616). Advanced modeling of protein sequence and biophysical properties (such as structural, functional, and spatial information, amino acid conservation, physicochemical variation, residue mobility, and thermodynamic stability) performed at Invitae indicates that this missense variant is not expected to disrupt BMPR1A protein function with a negative predictive value of 80%. In summary, the available evidence is currently insufficient to determine the role of this variant in disease. Therefore, it has been classified as a Variant of Uncertain Significance.

Baylor Genetics
Classification: Uncertain significance for Polyposis syndrome, hereditary mixed, 2. Last evaluated: 2024-03-22. Review status: criteria provided, single submitter. Criteria: ACMG Guidelines, 2015. Collection method: clinical testing. Allele origin: unknown.

NM_004329.3(BMPR1A):c.586G>A (p.Asp196Asn)

Gene: BMPR1A (bone morphogenetic protein receptor type 1A; plus strand). Cytogenetic location: 10q23.2.
Variant type: single nucleotide variant.
Coding change: c.586G>A on transcript NM_004329.3 (MANE Select); coding-DNA position 586, G replaced by A.
Protein change: p.Asp196Asn; replaces aspartic acid 196 with asparagine.
Molecular consequence: missense variant.
Genome position (GRCh38, 1-based): chr10:86,912,295, G>A. VCF-style: chr10-86912295-G-A. GRCh37 (hg19) VCF-style: chr10-88672052-G-A.
Other names: short protein forms D196N.
Identifiers: ClinVar variation 951616 (VCV000951616.12), dbSNP rs1843502787, ClinGen allele CA377454593.